The following is an entry in ClinVar:

NM_021625.5(TRPV4):c.963C>A (p.Gly321=)

Gene: TRPV4 (transient receptor potential cation channel subfamily V member 4; minus strand). Cytogenetic location: 12q24.11.
Variant type: single nucleotide variant.
Coding change: c.963C>A on transcript NM_021625.5 (MANE Select); coding-DNA position 963, C replaced by A.
Protein change: p.Gly321=; no amino-acid change (glycine 321 retained).
Molecular consequence: synonymous variant.
Genome position (GRCh38, 1-based): chr12:109,798,803, G>T on the plus strand (C>A on the coding strand, the complement: TRPV4 is on the minus strand). VCF-style: chr12-109798803-G-T. GRCh37 (hg19) VCF-style: chr12-110236608-G-T.
Other names: c.822C>A, p.Gly274= (NM_001177428.2, NM_001177433.2); c.861C>A, p.Gly287= (NM_001177431.2); c.963C>A, p.Gly321= (NM_147204.3).
Identifiers: ClinVar variation 307134 (VCV000307134.38), dbSNP rs148534854, ClinGen allele CA6780378.

ClinVar aggregate classification (germline): Conflicting classifications of pathogenicity. Review status: criteria provided, conflicting classifications (1 of 4 stars). 9 submissions from 4 submitters: Uncertain significance (1); Likely benign (8). Last evaluated 2025-11-10.

Conditions:
Metatropic dysplasia (MTD). Also called: METATROPIC DWARFISM; Metatropic Dysplasia, TRPV4-Related; Metatropic dysplasia, nonlethal dominant. Identifiers: Orphanet 2635, MedGen C0265281, MONDO:0007986, OMIM 156530.
Scapuloperoneal spinal muscular atrophy (SPSMA). Also called: Scapuloperoneal spinal muscular atrophy, autosomal dominant; Scapuloperoneal Spinal Muscular Atrophy, TRPV4-Related; AMYOTROPHY, NEUROGENIC SCAPULOPERONEAL, NEW ENGLAND TYPE; Scapuloperoneal Form of Spinal Muscular Atrophy. Identifiers: Orphanet 431255, MedGen C0751335, MONDO:0008408, OMIM 181405.
Spondylometaphyseal dysplasia, Kozlowski type (SMDK). Also called: Dysmorphism arthrogryposis skeletal maturation advanced; Jequier-Kozlowski syndrome; Skeletal dysplasia Jequier-Kozlowski type; SMD Kozlowski type; Spondylometaphyseal Dysplasia, TRPV4-Related (Kozlowski Type). Identifiers: Orphanet 93314, MedGen C0265280, MONDO:0008477, OMIM 184252.
Brachyrachia (short spine dysplasia) (BCYM3). Also called: BRACHYRACHIA; Autosomal dominant brachyolmia; Brachyolmia, TRPV4-Related; Brachyolmia Type 3. Identifiers: Orphanet 93304, MedGen C0432227, MONDO:0007232, OMIM 113500.
Charcot-Marie-Tooth disease axonal type 2C (HMSN2C). Also called: Charcot-Marie-Tooth Disease Type 2, TRPV4-Related (CMT2C); CHARCOT-MARIE-TOOTH DISEASE, AXONAL, AUTOSOMAL DOMINANT, TYPE 2C; Charcot-Marie-Tooth Neuropathy Type 2C. Identifiers: Orphanet 99937, MedGen C1853710, MONDO:0011633, OMIM 606071.
Inborn genetic diseases. Identifiers: MedGen C0950123, MeSH D030342.
Neuronopathy, distal hereditary motor, autosomal dominant 8. Also called: NEURONOPATHY, DISTAL HEREDITARY MOTOR, TYPE VIII; NEUROPATHY, DISTAL HEREDITARY MOTOR, TYPE VIII; SPINAL MUSCULAR ATROPHY, CONGENITAL BENIGN, WITH CONTRACTURES; Autosomal dominant congenital benign spinal muscular atrophy. Identifiers: Orphanet 1216, MedGen C1838492, MONDO:0010839, OMIM 600175.

Allele frequency attached by ClinVar (database versions not stated): gnomAD exomes 0.00003 and 0.00006; gnomAD 0.00006; TOPMed 0.00006; ExAC 0.00007; ESP Exome Variant Server 0.00015.
gnomAD v4.1: 50 of 1,614,078 alleles (0.0031%); highest among the groups gnomAD compares: Middle Eastern, 0.033%; no homozygotes.

Submissions (9):

Labcorp Genetics (formerly Invitae), Labcorp
Classification: Likely benign for Charcot-Marie-Tooth disease axonal type 2C. Last evaluated: 2025-11-10. Review status: criteria provided, single submitter. Criteria: Invitae Variant Classification Sherloc (09022015). Collection method: clinical testing. Allele origin: germline.

CeGaT Center for Human Genetics Tuebingen
Classification: Likely benign. Last evaluated: 2023-03-01. Review status: criteria provided, single submitter. Criteria: CeGaT Center For Human Genetics Tuebingen Variant Classification Criteria Version 2. Collection method: clinical testing. Allele origin: germline. Affected: yes. Observed: 2 variant alleles.
Comment: TRPV4: BP4, BP7

Ambry Genetics
Classification: Likely benign for Inborn genetic diseases. Last evaluated: 2019-07-11. Review status: criteria provided, single submitter. Criteria: Ambry Variant Classification Scheme 2023. Collection method: clinical testing. Allele origin: germline.

Illumina Laboratory Services, Illumina
Classification: Uncertain significance for Charcot-Marie-Tooth disease axonal type 2C. Last evaluated: 2018-01-13. Review status: criteria provided, single submitter. Criteria: ICSL Variant Classification Criteria 13 December 2019. Collection method: clinical testing. Allele origin: germline.

Illumina Laboratory Services, Illumina
Classification: Likely benign for Neuronopathy, distal hereditary motor, autosomal dominant 8. Last evaluated: 2018-01-13. Review status: criteria provided, single submitter. Criteria: ICSL Variant Classification Criteria 13 December 2019. Collection method: clinical testing. Allele origin: germline.
Comment: This variant was observed in the ICSL laboratory as part of a predisposition screen in an ostensibly healthy population. It had not been previously curated by ICSL or reported in the Human Gene Mutation Database (HGMD: prior to June 1st, 2018), and was therefore a candidate for classification through an automated scoring system. Utilizing variant allele frequency, disease prevalence and penetrance estimates, and inheritance mode, an automated score was calculated to assess if this variant is too frequent to cause the disease. Based on the score and internal cut-off values, a variant classified as likely benign is not then subjected to further curation. The score for this variant resulted in a classification of likely benign for this disease.

Illumina Laboratory Services, Illumina
Classification: Likely benign for Brachyrachia (short spine dysplasia). Last evaluated: 2018-01-13. Review status: criteria provided, single submitter. Criteria: ICSL Variant Classification Criteria 13 December 2019. Collection method: clinical testing. Allele origin: germline.
Comment: the same text as in the submission from Illumina Laboratory Services, Illumina above.

Illumina Laboratory Services, Illumina
Classification: Likely benign for Scapuloperoneal spinal muscular atrophy. Last evaluated: 2018-01-13. Review status: criteria provided, single submitter. Criteria: ICSL Variant Classification Criteria 13 December 2019. Collection method: clinical testing. Allele origin: germline.
Comment: the same text as in the submission from Illumina Laboratory Services, Illumina above.

Illumina Laboratory Services, Illumina
Classification: Likely benign for Spondylometaphyseal dysplasia, Kozlowski type. Last evaluated: 2018-01-13. Review status: criteria provided, single submitter. Criteria: ICSL Variant Classification Criteria 13 December 2019. Collection method: clinical testing. Allele origin: germline.
Comment: the same text as in the submission from Illumina Laboratory Services, Illumina above.

Illumina Laboratory Services, Illumina
Classification: Likely benign for Metatropic dysplasia. Last evaluated: 2018-01-13. Review status: criteria provided, single submitter. Criteria: ICSL Variant Classification Criteria 13 December 2019. Collection method: clinical testing. Allele origin: germline.
Comment: the same text as in the submission from Illumina Laboratory Services, Illumina above.